The following is an entry in ClinVar:

NM_138615.3(DHX30):c.28+2T>C

Gene: DHX30 (DExH-box helicase 30; plus strand). Cytogenetic location: 3p21.31.
Variant type: single nucleotide variant.
Coding change: c.28+2T>C on transcript NM_138615.3 (MANE Select); the canonical splice donor site of the intron after coding-DNA position 28, T replaced by C.
Molecular consequence: splice donor variant.
Genome position (GRCh38, 1-based): chr3:47,810,713, T>C. VCF-style: chr3-47810713-T-C. GRCh37 (hg19) VCF-style: chr3-47852203-T-C.
Other names: c.-223+2T>C (NM_001330990.2); c.-119+2T>C (NM_014966.4).
Identifiers: ClinVar variation 3359492 (VCV003359492.1).

ClinVar aggregate classification (germline): Uncertain significance (1 of 4 stars; one submission).

Submission:

GeneDx
Classification: Uncertain significance. Last evaluated: 2023-06-06. Review status: criteria provided, single submitter. Criteria: GeneDx Variant Classification Process June 2021. Collection method: clinical testing. Allele origin: germline. Affected: yes.
Comment: Canonical splice site variant predicted to result in a null allele in a gene for which loss of function is not a known mechanism of disease; Not observed at significant frequency in large population cohorts (gnomAD); Has not been previously published as pathogenic or benign to our knowledge